The following is an entry in ClinVar:

NM_000548.5(TSC2):c.2022T>C (p.Pro674=)

Gene: TSC2 (TSC complex subunit 2; plus strand). Cytogenetic location: 16p13.3.
Variant type: single nucleotide variant.
Coding change: c.2022T>C on transcript NM_000548.5 (MANE Select); coding-DNA position 2022, T replaced by C.
Protein change: p.Pro674=; no amino-acid change (proline 674 retained).
Molecular consequence: synonymous variant. On other transcripts: non-coding transcript variant (5).
Genome position (GRCh38, 1-based): chr16:2,071,859, T>C. VCF-style: chr16-2071859-T-C. GRCh37 (hg19) VCF-style: chr16-2121860-T-C.
Other names: c.2022T>C, p.Pro674= (NM_001077183.3, NM_001114382.3, NM_001363528.2 and 6 more transcripts); c.1911T>C, p.Pro637= (NM_001318827.2, NM_001406670.1, NM_001406678.1); c.1875T>C, p.Pro625= (NM_001318829.2, NM_001406675.1, NM_001406676.1 and 1 more transcripts); c.1422T>C, p.Pro474= (NM_001318831.2, NM_001406680.1, NM_001406682.1 and 6 more transcripts); c.2055T>C, p.Pro685= (NM_001318832.2); c.2112T>C, p.Pro704= (NM_001406667.1, NM_001406668.1); c.2010T>C, p.Pro670= (NM_001406671.1, NM_001406673.1); c.1965T>C, p.Pro655= (NM_001406677.1); and 3 more.
Identifiers: ClinVar variation 4071029 (VCV004071029.1).

ClinVar aggregate classification (germline): Benign (1 of 4 stars; one submission).

Conditions:
Tuberous sclerosis 2 (TSC2). Identifiers: Orphanet 805, MedGen C1860707, MONDO:0013199, OMIM 613254.

gnomAD v4.1: 1 of 1,523,146 alleles (0.000066%); highest among the groups gnomAD compares: Non-Finnish European, 0.000088%; no homozygotes.

Submission:

Myriad Genetics, Inc.
Classification: Benign for Tuberous sclerosis 2. Last evaluated: 2025-05-16. Review status: criteria provided, single submitter. Criteria: Myriad Autosomal Dominant, Autosomal Recessive and X-Linked Classification Criteria (2023). Collection method: clinical testing. Allele origin: unknown.
Comment: This variant is considered benign. This variant is a silent/synonymous amino acid change and it is not expected to impact splicing.